The following is an entry in ClinVar:

NM_004612.4(TGFBR1):c.*2096T>G

Gene: TGFBR1 (transforming growth factor beta receptor 1; plus strand). Cytogenetic location: 9q22.33.
Variant type: single nucleotide variant.
Coding change: c.*2096T>G on transcript NM_004612.4 (MANE Select); 2096 bases downstream of the stop codon, T replaced by G.
Molecular consequence: 3 prime UTR variant. On other transcripts: non-coding transcript variant (4).
Genome position (GRCh38, 1-based): chr9:99,151,401, T>G. VCF-style: chr9-99151401-T-G. GRCh37 (hg19) VCF-style: chr9-101913683-T-G.
Other names: c.*2096T>G (NM_001130916.3, NM_001306210.2, NM_001407416.1 and 20 more transcripts).
Identifiers: ClinVar variation 2659352 (VCV002659352.24), dbSNP rs200867114, ClinGen allele CA196850465.

ClinVar aggregate classification (germline): Benign (1 of 4 stars; one submission).

Allele frequency attached by ClinVar (database versions not stated): gnomAD exomes 0.00020; gnomAD 0.00151; TOPMed 0.00154; 1000 Genomes Project 0.00240.
gnomAD v4.1: 212 of 209,246 alleles (0.1%); highest among the groups gnomAD compares: African/African-American, 0.5%; 2 homozygotes.

Submission:

CeGaT Center for Human Genetics Tuebingen
Classification: Benign. Last evaluated: 2022-07-01. Review status: criteria provided, single submitter. Criteria: CeGaT Center For Human Genetics Tuebingen Variant Classification Criteria Version 2. Collection method: clinical testing. Allele origin: germline. Affected: yes. Observed: 1 variant allele.
Comment: TGFBR1: BS1, BS2